The following is an entry in ClinVar:

NM_004447.6(EPS8):c.2230G>A (p.Val744Ile)

Gene: EPS8 (EGFR pathway substrate 8, signaling adaptor; minus strand). Cytogenetic location: 12p12.3.
Variant type: single nucleotide variant.
Coding change: c.2230G>A on transcript NM_004447.6 (MANE Select); coding-DNA position 2230, G replaced by A.
Protein change: p.Val744Ile; replaces valine 744 with isoleucine.
Molecular consequence: missense variant.
Genome position (GRCh38, 1-based): chr12:15,623,283, C>T on the plus strand (G>A on the coding strand, the complement: EPS8 is on the minus strand). VCF-style: chr12-15623283-C-T. GRCh37 (hg19) VCF-style: chr12-15776217-C-T.
Other names: short protein forms V744I.
Identifiers: ClinVar variation 506478 (VCV000506478.24), dbSNP rs77967764, ClinGen allele CA6467310.

ClinVar aggregate classification (germline): Benign/Likely benign. Review status: criteria provided, multiple submitters, no conflicts (2 of 4 stars). 7 submissions from 7 submitters: Benign (1); Likely benign (5). 1 of the submissions does not count toward it. Last evaluated 2026-06-01.

Conditions:
EPS8-related disorder. Also called: EPS8-related condition.

Allele frequency attached by ClinVar (database versions not stated): 1000 Genomes Project 0.00180; ExAC 0.00186; gnomAD exomes 0.00205; 1000 Genomes Project 30x 0.00219; ESP Exome Variant Server 0.00223; TOPMed 0.00233; gnomAD 0.00234 and 0.00242.
gnomAD v4.1: 3,964 of 1,569,038 alleles (0.25%); highest among the groups gnomAD compares: Non-Finnish European, 0.3%; 6 homozygotes.

Submissions (7):

CeGaT Center for Human Genetics Tuebingen
Classification: Likely benign. Last evaluated: 2026-06-01. Review status: criteria provided, single submitter. Criteria: CeGaT Center For Human Genetics Tuebingen Variant Classification Criteria Version 2. Collection method: clinical testing. Allele origin: germline. Affected: yes. Observed: 3 variant alleles.
Comment: EPS8: BP4, BS2

Labcorp Genetics (formerly Invitae), Labcorp
Classification: Likely benign. Last evaluated: 2026-01-19. Review status: criteria provided, single submitter. Criteria: Invitae Variant Classification Sherloc (09022015). Collection method: clinical testing. Allele origin: germline.

Blueprint Genetics
Classification: Likely benign. Last evaluated: 2024-11-25. Review status: criteria provided, single submitter. Criteria: ACMG Guidelines, 2015. Collection method: clinical testing. Allele origin: germline.

GeneDx
Classification: Benign. Last evaluated: 2019-03-25. Review status: criteria provided, single submitter. Criteria: GeneDx Variant Classification Process June 2021. Collection method: clinical testing. Allele origin: germline. Affected: yes.

Laboratory for Molecular Medicine, Mass General Brigham Personalized Medicine
Classification: Likely benign. Last evaluated: 2018-05-07. Review status: criteria provided, single submitter. Criteria: LMM Criteria. Collection method: clinical testing. Allele origin: germline. Observed: 2 variant alleles.
Comment: p.Val744Ile in exon 20 of EPS8: This variant is classified as likely benign beca use it has been identified in 0.3% (355/114830) of European chromosomes by the Genome Aggregation Database (gnomAD; dbSNP rs7 7967764). In addition, computational prediction tools and conservation analyses do not suggest a high likelihood of impact to the protein. ACMG/AMP Criteria ap plied: BS1, BP4.

Breakthrough Genomics
Classification: Likely benign. Review status: criteria provided, single submitter. Criteria: ACMG Guidelines, 2015. Collection method: not provided. Allele origin: germline. Inheritance: Autosomal recessive inheritance. Affected: yes.

PreventionGenetics, part of Exact Sciences
Classification: Likely benign for EPS8-related condition. Last evaluated: 2022-01-19. Review status: no assertion criteria provided. Collection method: clinical testing. Allele origin: germline. Not counted in ClinVar's aggregate classification.
Comment: This variant is classified as likely benign based on ACMG/AMP sequence variant interpretation guidelines (Richards et al. 2015 PMID: 25741868, with internal and published modifications).